The following is an entry in ClinVar:

ClinVar aggregate classification (germline): Uncertain significance. Review status: criteria provided, multiple submitters, no conflicts (2 of 4 stars). 2 submissions from 2 submitters: Uncertain significance (2). Last evaluated 2025-11-08.

Conditions:
Inborn genetic diseases. Identifiers: MedGen C0950123, MeSH D030342.
Peroxisome biogenesis disorder 3A (Zellweger). Also called: PEROXISOMAL BIOGENESIS DISORDER 3A (ZELLWEGER); Peroxisome biogenesis disorder 3A. Identifiers: Orphanet 912, MedGen C3553929, MONDO:0013927, OMIM 614859.

Allele frequency attached by ClinVar (database versions not stated): TOPMed below 0.00001; gnomAD 0.00001; gnomAD exomes 0.00001.
gnomAD v4.1: 4 of 1,614,132 alleles (0.00025%); highest among the groups gnomAD compares: Non-Finnish European, 0.00034%; no homozygotes.

Submissions (2):

Ambry Genetics
Classification: Uncertain significance for Inborn genetic diseases. Last evaluated: 2025-11-08. Review status: criteria provided, single submitter. Criteria: Ambry Variant Classification Scheme 2023. Collection method: clinical testing. Allele origin: germline.

Labcorp Genetics (formerly Invitae), Labcorp
Classification: Uncertain significance for Peroxisome biogenesis disorder 3A (Zellweger). Last evaluated: 2022-05-25. Review status: criteria provided, single submitter. Criteria: Invitae Variant Classification Sherloc (09022015). Collection method: clinical testing. Allele origin: germline.
Comment: This sequence change replaces valine, which is neutral and non-polar, with glycine, which is neutral and non-polar, at codon 316 of the PEX12 protein (p.Val316Gly). This variant is present in population databases (no rsID available, gnomAD 0.007%). This variant has not been reported in the literature in individuals affected with PEX12-related conditions. Algorithms developed to predict the effect of missense changes on protein structure and function (SIFT, PolyPhen-2, Align-GVGD) all suggest that this variant is likely to be tolerated. In summary, the available evidence is currently insufficient to determine the role of this variant in disease. Therefore, it has been classified as a Variant of Uncertain Significance.

NM_000286.3(PEX12):c.947T>G (p.Val316Gly)

Gene: PEX12 (peroxisomal biogenesis factor 12; minus strand). Cytogenetic location: 17q12.
Variant type: single nucleotide variant.
Coding change: c.947T>G on transcript NM_000286.3 (MANE Select); coding-DNA position 947, T replaced by G.
Protein change: p.Val316Gly; replaces valine 316 with glycine.
Molecular consequence: missense variant.
Genome position (GRCh38, 1-based): chr17:35,575,915, A>C on the plus strand (T>G on the coding strand, the complement: PEX12 is on the minus strand). VCF-style: chr17-35575915-A-C. GRCh37 (hg19) VCF-style: chr17-33902934-A-C.
Other names: c.947T>G (NM_000286.2); short protein forms V316G.
Identifiers: ClinVar variation 2149207 (VCV002149207.2), dbSNP rs1297202049, ClinGen allele CA399137040.